The following is an entry in ClinVar:

NM_005051.3(QARS1):c.668A>G (p.Gln223Arg)

Gene: QARS1 (glutaminyl-tRNA synthetase 1; minus strand). Cytogenetic location: 3p21.31.
Variant type: single nucleotide variant.
Coding change: c.668A>G on transcript NM_005051.3 (MANE Select); coding-DNA position 668, A replaced by G.
Protein change: p.Gln223Arg; replaces glutamine 223 with arginine.
Molecular consequence: missense variant. On other transcripts: non-coding transcript variant (1).
Genome position (GRCh38, 1-based): chr3:49,101,863, T>C on the plus strand (A>G on the coding strand, the complement: QARS1 is on the minus strand). VCF-style: chr3-49101863-T-C. GRCh37 (hg19) VCF-style: chr3-49139296-T-C.
Other names: c.635A>G, p.Gln212Arg (NM_001272073.2); short protein forms Q223R, Q212R.
Identifiers: ClinVar variation 578234 (VCV000578234.5), dbSNP rs750460731, ClinGen allele CA2392063.

ClinVar aggregate classification (germline): Uncertain significance (1 of 4 stars; one submission).

Conditions:
Diffuse cerebral and cerebellar atrophy - intractable seizures - progressive microcephaly syndrome. Also called: Microcephaly, progressive, with seizures and cerebral and cerebellar atrophy. Identifiers: Orphanet 404437, MedGen C4014239, MONDO:0014335, OMIM 615760.

Allele frequency attached by ClinVar (database versions not stated): gnomAD exomes below 0.00001 and 0.00001; ExAC 0.00001; TOPMed 0.00002; gnomAD 0.00003.

Submission:

Labcorp Genetics (formerly Invitae), Labcorp
Classification: Uncertain significance for Diffuse cerebral and cerebellar atrophy - intractable seizures - progressive microcephaly syndrome. Last evaluated: 2021-12-29. Review status: criteria provided, single submitter. Criteria: Invitae Variant Classification Sherloc (09022015). Collection method: clinical testing. Allele origin: germline.
Comment: This sequence change replaces glutamine, which is neutral and polar, with arginine, which is basic and polar, at codon 223 of the QARS protein (p.Gln223Arg). This variant is present in population databases (rs750460731, gnomAD 0.01%). This variant has not been reported in the literature in individuals affected with QARS-related conditions. ClinVar contains an entry for this variant (Variation ID: 578234). Algorithms developed to predict the effect of missense changes on protein structure and function are either unavailable or do not agree on the potential impact of this missense change (SIFT: "Tolerated"; PolyPhen-2: "Probably Damaging"; Align-GVGD: "Class C0"). In summary, the available evidence is currently insufficient to determine the role of this variant in disease. Therefore, it has been classified as a Variant of Uncertain Significance.